The following is an entry in ClinVar:

ClinVar aggregate classification (germline): Likely benign. Review status: criteria provided, multiple submitters, no conflicts (2 of 4 stars). 3 submissions from 3 submitters: Likely benign (2). 1 of the submissions does not count toward it. Last evaluated 2024-08-20.

Conditions:
LAMA2-related disorder. Also called: LAMA2-related disorders; LAMA2-related condition.

Allele frequency attached by ClinVar (database versions not stated): gnomAD exomes 0.00035 and 0.00078; ExAC 0.00093; 1000 Genomes Project 0.00260; 1000 Genomes Project 30x 0.00281; gnomAD 0.00295 and 0.00315; TOPMed 0.00330; ESP Exome Variant Server 0.00346.
gnomAD v4.1: 927 of 1,497,514 alleles (0.062%); highest among the groups gnomAD compares: African/African-American, 1.1%; 1 homozygote.

Submissions (3):

Blueprint Genetics
Classification: Likely benign. Last evaluated: 2024-08-20. Review status: criteria provided, single submitter. Criteria: ACMG Guidelines, 2015. Collection method: clinical testing. Allele origin: germline.

GeneDx
Classification: Likely benign. Last evaluated: 2019-04-21. Review status: criteria provided, single submitter. Criteria: GeneDx Variant Classification Process June 2021. Collection method: clinical testing. Allele origin: germline. Affected: yes.

PreventionGenetics, part of Exact Sciences
Classification: Benign for LAMA2-related condition. Last evaluated: 2019-08-28. Review status: no assertion criteria provided. Collection method: clinical testing. Allele origin: germline. Not counted in ClinVar's aggregate classification.
Comment: This variant is classified as benign based on ACMG/AMP sequence variant interpretation guidelines (Richards et al. 2015 PMID: 25741868, with internal and published modifications).

NM_000426.4(LAMA2):c.3175-25G>A

Gene: LAMA2 (laminin subunit alpha 2; plus strand). Cytogenetic location: 6q22.33.
Variant type: single nucleotide variant.
Coding change: c.3175-25G>A on transcript NM_000426.4 (MANE Select); 25 bases into the intron before coding-DNA position 3175, G replaced by A.
Molecular consequence: intron variant.
Genome position (GRCh38, 1-based): chr6:129,312,836, G>A. VCF-style: chr6-129312836-G-A. GRCh37 (hg19) VCF-style: chr6-129633981-G-A.
Other names: c.3175-25G>A (NM_000426.3, NM_001079823.2).
Identifiers: ClinVar variation 1223572 (VCV001223572.6), dbSNP rs2501463, ClinGen allele CA3993198.